The following is an entry in ClinVar:

ClinVar aggregate classification (germline): Uncertain significance (1 of 4 stars; one submission).

Conditions:
Amyotrophic lateral sclerosis type 1 (ALS1). Also called: AMYOTROPHIC LATERAL SCLEROSIS 1, FAMILIAL. Identifiers: Orphanet 803, MedGen C1862939, MONDO:0007103, OMIM 105400.
Neuronopathy, distal hereditary motor, type 7B. Also called: HMN VIIB; LOWER MOTOR NEURON DISEASE, DYNACTIN TYPE; Distal Hereditary Motor Neuronopathy Type 7B (dHMN7B); NEURONOPATHY, DISTAL HEREDITARY MOTOR, AUTOSOMAL DOMINANT 14; NEURONOPATHY, DISTAL HEREDITARY MOTOR, HARDING TYPE VIIB; NEUROPATHY, DISTAL HEREDITARY MOTOR, HARDING TYPE VIIB. Identifiers: Orphanet 139589, MedGen C1843315, MONDO:0011879, OMIM 607641.
Perry syndrome. Also called: PARKINSONISM WITH ALVEOLAR HYPOVENTILATION AND MENTAL DEPRESSION. Identifiers: Orphanet 178509, MedGen C1868594, MONDO:0008201, OMIM 168605.

Allele frequency attached by ClinVar (database versions not stated): gnomAD exomes below 0.00001; ExAC 0.00001.

Submission:

Labcorp Genetics (formerly Invitae), Labcorp
Classification: Uncertain significance for Amyotrophic lateral sclerosis type 1; Neuronopathy, distal hereditary motor, type 7B; Perry syndrome. Last evaluated: 2023-01-01. Review status: criteria provided, single submitter. Criteria: Invitae Variant Classification Sherloc (09022015). Collection method: clinical testing. Allele origin: germline.
Comment: This variant is present in population databases (rs751431467, gnomAD 0.0009%). This sequence change replaces glutamine, which is neutral and polar, with arginine, which is basic and polar, at codon 1268 of the DCTN1 protein (p.Gln1268Arg). In summary, the available evidence is currently insufficient to determine the role of this variant in disease. Therefore, it has been classified as a Variant of Uncertain Significance. Algorithms developed to predict the effect of missense changes on protein structure and function (SIFT, PolyPhen-2, Align-GVGD) all suggest that this variant is likely to be disruptive. ClinVar contains an entry for this variant (Variation ID: 536155). This variant has not been reported in the literature in individuals affected with DCTN1-related conditions.

NM_004082.5(DCTN1):c.3803A>G (p.Gln1268Arg)

Gene: DCTN1 (dynactin subunit 1; minus strand). Cytogenetic location: 2p13.1.
Variant type: single nucleotide variant.
Coding change: c.3803A>G on transcript NM_004082.5 (MANE Select); coding-DNA position 3803, A replaced by G.
Protein change: p.Gln1268Arg; replaces glutamine 1268 with arginine.
Molecular consequence: missense variant. On other transcripts: non-coding transcript variant (1).
Genome position (GRCh38, 1-based): chr2:74,361,533, T>C on the plus strand (A>G on the coding strand, the complement: DCTN1 is on the minus strand). VCF-style: chr2-74361533-T-C. GRCh37 (hg19) VCF-style: chr2-74588660-T-C.
Other names: c.3728A>G, p.Gln1243Arg (NM_001135040.3); c.3386A>G, p.Gln1129Arg (NM_001135041.3); c.3677A>G, p.Gln1226Arg (NM_001190836.2); c.3782A>G, p.Gln1261Arg (NM_001190837.2); c.3752A>G, p.Gln1251Arg (NM_001378991.1); c.3734A>G, p.Gln1245Arg (NM_001378992.1); c.3401A>G, p.Gln1134Arg (NM_023019.4); short protein forms Q1268R, Q1134R, Q1226R, Q1261R, Q1129R, Q1243R, Q1245R, Q1251R.
Identifiers: ClinVar variation 536155 (VCV000536155.9), dbSNP rs751431467, ClinGen allele CA1721343.